The following is an entry in ClinVar:

ClinVar aggregate classification (germline): Uncertain significance (1 of 4 stars; one submission).

gnomAD v4.1: 1 of 1,577,956 alleles (0.000063%); highest among the groups gnomAD compares: African/African-American, 0.0013%; no homozygotes.

Submission:

GeneDx
Classification: Uncertain significance. Last evaluated: 2024-04-29. Review status: criteria provided, single submitter. Criteria: GeneDx Variant Classification Process June 2021. Collection method: clinical testing. Allele origin: germline. Affected: yes.
Comment: Not observed at significant frequency in large population cohorts (gnomAD); In silico analysis indicates that this missense variant does not alter protein structure/function; Has not been previously published as pathogenic or benign to our knowledge

NM_022124.6(CDH23):c.8128G>C (p.Val2710Leu)

Gene: CDH23 (cadherin related 23; plus strand). Cytogenetic location: 10q22.1.
Variant type: single nucleotide variant.
Coding change: c.8128G>C on transcript NM_022124.6 (MANE Select); coding-DNA position 8128, G replaced by C.
Protein change: p.Val2710Leu; replaces valine 2710 with leucine.
Molecular consequence: missense variant.
Genome position (GRCh38, 1-based): chr10:71,806,231, G>C. VCF-style: chr10-71806231-G-C. GRCh37 (hg19) VCF-style: chr10-73565988-G-C.
Other names: c.1408G>C, p.Val470Leu (NM_001171933.1, NM_001171934.1); short protein forms V2710L, V470L.
Identifiers: ClinVar variation 3373116 (VCV003373116.1).